The following is an entry in ClinVar:

ClinVar aggregate classification (germline): Uncertain significance (1 of 4 stars; one submission).

Allele frequency attached by ClinVar (database versions not stated): ExAC 0.00002; gnomAD 0.00001; gnomAD exomes 0.00002; TOPMed 0.00002.
gnomAD v4.1: 117 of 1,614,058 alleles (0.0072%); highest among the groups gnomAD compares: Non-Finnish European, 0.0097%; no homozygotes.

Submission:

GeneDx
Classification: Uncertain significance. Last evaluated: 2016-12-22. Review status: criteria provided, single submitter. Criteria: GeneDx Variant Classification (06012015). Collection method: clinical testing. Allele origin: germline. Affected: yes.
Comment: The V547A variant in the F5 gene has not been reported previously as a pathogenic variant, nor as a benign variant, to our knowledge. The V547A variant was not observed in approximately 6500 individuals of European and African American ancestry in the NHLBI Exome Sequencing Project, indicating it is not a common benign variant in these populations. The V547A variant is a conservative amino acid substitution, which is not likely to impact secondary protein structure as these residues share similar properties. This substitution occurs at a position where amino acids with similar properties to Valine are tolerated across species. In silico analysis predicts this variant is probably damaging to the protein structure/function. We interpret V547A as a variant of uncertain significance.

NM_000130.5(F5):c.1640T>C (p.Val547Ala)

Gene: F5 (coagulation factor V; minus strand). Cytogenetic location: 1q24.2.
Variant type: single nucleotide variant.
Coding change: c.1640T>C on transcript NM_000130.5 (MANE Select); coding-DNA position 1640, T replaced by C.
Protein change: p.Val547Ala; replaces valine 547 with alanine.
Molecular consequence: missense variant.
Genome position (GRCh38, 1-based): chr1:169,546,564, A>G on the plus strand (T>C on the coding strand, the complement: F5 is on the minus strand). VCF-style: chr1-169546564-A-G. GRCh37 (hg19) VCF-style: chr1-169515802-A-G.
Other names: short protein forms V547A.
Identifiers: ClinVar variation 391573 (VCV000391573.2), dbSNP rs772710178, ClinGen allele CA1234269.
Genomic context (GRCh38, chr1:169,546,564, plus strand): 5'-CAAAACTTGTTGATGTTGTCCTCAAGGTACCAGCTTTTGTTCTCATCAAACACAGCAAAC[A>G]CAGCCTGCTGTTCGATGTCTGCTGCCCTCTGGAGGACAAAACAGTATAGTACTGGTACAA-3'
Protein context (NP_000121.2, residues 537-557): QRAADIEQQA[Val547Ala]FAVFDENKSW